The following is an entry in ClinVar:

ClinVar aggregate classification (germline): Uncertain significance (1 of 4 stars; one submission).

Submission:

Labcorp Genetics (formerly Invitae), Labcorp
Classification: Uncertain significance. Last evaluated: 2022-08-22. Review status: criteria provided, single submitter. Criteria: Invitae Variant Classification Sherloc (09022015). Collection method: clinical testing. Allele origin: germline.
Comment: In summary, the available evidence is currently insufficient to determine the role of this variant in disease. Therefore, it has been classified as a Variant of Uncertain Significance. Advanced modeling of protein sequence and biophysical properties (such as structural, functional, and spatial information, amino acid conservation, physicochemical variation, residue mobility, and thermodynamic stability) performed at Invitae indicates that this missense variant is not expected to disrupt ROR2 protein function. ClinVar contains an entry for this variant (Variation ID: 1402795). This variant has not been reported in the literature in individuals affected with ROR2-related conditions. This variant is not present in population databases (gnomAD no frequency). This sequence change replaces glutamine, which is neutral and polar, with histidine, which is basic and polar, at codon 841 of the ROR2 protein (p.Gln841His).

NM_004560.4(ROR2):c.2523G>C (p.Gln841His)

Gene: ROR2 (receptor tyrosine kinase like orphan receptor 2; minus strand). Cytogenetic location: 9q22.31.
Variant type: single nucleotide variant.
Coding change: c.2523G>C on transcript NM_004560.4 (MANE Select); coding-DNA position 2523, G replaced by C.
Protein change: p.Gln841His; replaces glutamine 841 with histidine.
Molecular consequence: missense variant.
Genome position (GRCh38, 1-based): chr9:91,723,971, C>G on the plus strand (G>C on the coding strand, the complement: ROR2 is on the minus strand). VCF-style: chr9-91723971-C-G. GRCh37 (hg19) VCF-style: chr9-94486253-C-G.
Other names: short protein forms Q841H.
Identifiers: ClinVar variation 1402795 (VCV001402795.8), dbSNP rs1280968883, ClinGen allele CA373794041.